The following is an entry in ClinVar:

NM_016247.4(IMPG2):c.4A>G (p.Ile2Val)

Gene: IMPG2 (interphotoreceptor matrix proteoglycan 2; minus strand). Cytogenetic location: 3q12.3.
Variant type: single nucleotide variant.
Coding change: c.4A>G on transcript NM_016247.4 (MANE Select); coding-DNA position 4, A replaced by G.
Protein change: p.Ile2Val; replaces isoleucine 2 with valine.
Molecular consequence: missense variant.
Genome position (GRCh38, 1-based): chr3:101,320,369, T>C on the plus strand (A>G on the coding strand, the complement: IMPG2 is on the minus strand). VCF-style: chr3-101320369-T-C. GRCh37 (hg19) VCF-style: chr3-101039213-T-C.
Other names: short protein forms I2V.
Identifiers: ClinVar variation 1348224 (VCV001348224.6), dbSNP rs2107149531, ClinGen allele CA353859676.
Genomic context (GRCh38, chr3:101,320,369, plus strand): 5'-CTTCTATCAGGACAAATATCAAAATACCCAGAGAAATCTTCCCAAAAAGAGGAAACATAA[T>C]CATTTGGGCCAAAACCAAAGGAATGAGGAGAGGACAGAATCCTTAATTGAGTGTCCAAAT-3'
Protein context (NP_057331.2, residues 1-12): M[Ile2Val]MFPLFGKISL

ClinVar aggregate classification (germline): Uncertain significance (1 of 4 stars; one submission).

Allele frequency attached by ClinVar (database versions not stated): gnomAD exomes below 0.00001.
gnomAD v4.1: 4 of 1,603,308 alleles (0.00025%); highest among the groups gnomAD compares: Non-Finnish European, 0.00034%; no homozygotes.

Submission:

Labcorp Genetics (formerly Invitae), Labcorp
Classification: Uncertain significance. Last evaluated: 2024-02-23. Review status: criteria provided, single submitter. Criteria: Invitae Variant Classification Sherloc (09022015). Collection method: clinical testing. Allele origin: germline.
Comment: This sequence change replaces isoleucine, which is neutral and non-polar, with valine, which is neutral and non-polar, at codon 2 of the IMPG2 protein (p.Ile2Val). This variant is not present in population databases (gnomAD no frequency). This variant has not been reported in the literature in individuals affected with IMPG2-related conditions. ClinVar contains an entry for this variant (Variation ID: 1348224). An algorithm developed to predict the effect of missense changes on protein structure and function (PolyPhen-2) suggests that this variant is likely to be disruptive. In summary, the available evidence is currently insufficient to determine the role of this variant in disease. Therefore, it has been classified as a Variant of Uncertain Significance.